The following is an entry in ClinVar:

ClinVar aggregate classification (germline): Benign. Review status: criteria provided, multiple submitters, no conflicts (2 of 4 stars). 6 submissions from 6 submitters: Benign (6). Last evaluated 2026-02-04.

Conditions:
Congenital lactic acidosis, Saguenay-Lac-Saint-Jean type (MC4DN5). Also called: CYTOCHROME c OXIDASE DEFICIENCY, FRENCH CANADIAN TYPE; COX DEFICIENCY, FRENCH CANADIAN TYPE; MITOCHONDRIAL COMPLEX IV DEFICIENCY, NUCLEAR TYPE 5. Identifiers: Orphanet 70472, MedGen C1857355, MONDO:0009069, OMIM 220111.

Allele frequency attached by ClinVar (database versions not stated): 1000 Genomes Project 0.14796; 1000 Genomes Project 30x 0.15240; TOPMed 0.19596; ESP Exome Variant Server 0.19945.
gnomAD v4.1: 223,255 of 1,608,640 alleles (14%); highest among the groups gnomAD compares: African/African-American, 33%; 18,414 homozygotes.

Submissions (6):

Labcorp Genetics (formerly Invitae), Labcorp
Classification: Benign. Last evaluated: 2026-02-04. Review status: criteria provided, single submitter. Criteria: Invitae Variant Classification Sherloc (09022015). Collection method: clinical testing. Allele origin: germline.

Blueprint Genetics
Classification: Benign. Last evaluated: 2024-11-26. Review status: criteria provided, single submitter. Criteria: ACMG Guidelines, 2015. Collection method: clinical testing. Allele origin: germline.

Genome-Nilou Lab
Classification: Benign for Congenital lactic acidosis, Saguenay-Lac-Saint-Jean type. Last evaluated: 2021-07-10. Review status: criteria provided, single submitter. Criteria: ACMG Guidelines, 2015. Collection method: clinical testing. Allele origin: germline. Affected: no.

Illumina Laboratory Services, Illumina
Classification: Benign for Congenital lactic acidosis, Saguenay-Lac-Saint-Jean type. Last evaluated: 2018-01-12. Review status: criteria provided, single submitter. Criteria: ICSL Variant Classification Criteria 13 December 2019. Collection method: clinical testing. Allele origin: germline.
Comment: This variant was observed in the ICSL laboratory as part of a predisposition screen in an ostensibly healthy population. It had not been previously curated by ICSL or reported in the Human Gene Mutation Database (HGMD: prior to June 1st, 2018), and was therefore a candidate for classification through an automated scoring system. Utilizing variant allele frequency, disease prevalence and penetrance estimates, and inheritance mode, an automated score was calculated to assess if this variant is too frequent to cause the disease. Based on the score and internal cut-off values, a variant classified as benign is not then subjected to further curation. The score for this variant resulted in a classification of benign for this disease.

GeneDx
Classification: Benign. Last evaluated: 2015-03-03. Review status: criteria provided, single submitter. Criteria: GeneDx Variant Classification Process June 2021. Collection method: clinical testing. Allele origin: germline. Affected: yes.

Breakthrough Genomics
Classification: Benign. Review status: criteria provided, single submitter. Criteria: ACMG Guidelines, 2015. Collection method: not provided. Allele origin: germline. Inheritance: Autosomal recessive inheritance. Affected: yes.

NM_133259.4(LRPPRC):c.1677+11C>G

Gene: LRPPRC (leucine rich pentatricopeptide repeat containing; minus strand). Cytogenetic location: 2p21.
Variant type: single nucleotide variant.
Coding change: c.1677+11C>G on transcript NM_133259.4 (MANE Select); 11 bases into the intron after coding-DNA position 1677, C replaced by G.
Molecular consequence: intron variant.
Genome position (GRCh38, 1-based): chr2:43,950,562, G>C on the plus strand (C>G on the coding strand, the complement: LRPPRC is on the minus strand). VCF-style: chr2-43950562-G-C. GRCh37 (hg19) VCF-style: chr2-44177701-G-C.
Identifiers: ClinVar variation 336159 (VCV000336159.20), dbSNP rs58811869, ClinGen allele CA1638837.
Genomic context (GRCh38, chr2:43,950,562, plus strand): 5'-ATTACATAACCTATGGTATTGGCTTGTAACGTTAAAAGCACCTTATGATTTGCAATATTA[G>C]AGGGACTTACCTCGCTCCAAAGATTTATATTCATAGACCTGCAGAGGGCAGCAAAGGATC-3'